The following is an entry in ClinVar:

NM_000264.5(PTCH1):c.1962G>A (p.Thr654=)

Genes: PTCH1 (patched 1; minus strand), LOC100507346 (uncharacterized LOC100507346; plus strand). Cytogenetic location: 9q22.32.
Variant type: single nucleotide variant.
Coding change: c.1962G>A on transcript NM_000264.5 (MANE Select); coding-DNA position 1962, G replaced by A.
Protein change: p.Thr654=; no amino-acid change (threonine 654 retained).
Molecular consequence: synonymous variant. On other transcripts: non-coding transcript variant (2).
Genome position (GRCh38, 1-based): chr9:95,469,039, C>T on the plus strand (G>A on the coding strand, the complement: PTCH1 is on the minus strand). VCF-style: chr9-95469039-C-T. GRCh37 (hg19) VCF-style: chr9-98231321-C-T.
Other names: c.1764G>A, p.Thr588= (NM_001083602.3); c.1959G>A, p.Thr653= (NM_001083603.3); c.1509G>A, p.Thr503= (NM_001083604.3, NM_001083605.3, NM_001083606.3 and 1 more transcripts); c.1806G>A, p.Thr602= (NM_001354918.2); c.1962G>A (NM_000264.4).
Identifiers: ClinVar variation 486186 (VCV000486186.18), dbSNP rs201544613, ClinGen allele CA5138475.
Genomic context (GRCh38, chr9:95,469,039, plus strand): 5'-CACGTGCGTGTGGGGGTCGTACTCCGTGCGGAGCTGGACAGTGGACTGCATGGTAATCTG[C>T]GTTTCATGGGCAAAGCTGTGGCTGCTGTAGGGAGGTGGGGGGCTGTAGCGGGTATTGTCG-3'
Protein context (NP_000255.2, residues 644-664): PYSSHSFAHE[Thr654=]QITMQSTVQL

ClinVar aggregate classification (germline): Likely benign. Review status: criteria provided, multiple submitters, no conflicts (2 of 4 stars). 4 submissions from 4 submitters: Likely benign (4). Last evaluated 2026-02-01.

Conditions:
Hereditary cancer-predisposing syndrome. Also called: Neoplastic Syndromes, Hereditary; Hereditary Cancer Syndrome; Tumor predisposition; Hereditary neoplastic syndrome. Identifiers: Orphanet 140162, MedGen C0027672, MeSH D009386, MONDO:0015356.
Gorlin syndrome. Also called: Nevoid Basal Cell Carcinoma Syndrome; Basal cell nevus syndrome. Identifiers: Orphanet 377, MedGen C0004779, MONDO:0007187.
PTCH1-related disorder. Also called: PTCH1-related disorders; PTCH1-related condition.

Allele frequency attached by ClinVar (database versions not stated): TOPMed 0.00003; ESP Exome Variant Server 0.00008; 1000 Genomes Project 30x 0.00031.
gnomAD v4.1: 40 of 1,613,852 alleles (0.0025%); highest among the groups gnomAD compares: East Asian, 0.011%; no homozygotes.

Submissions (4):

Labcorp Genetics (formerly Invitae), Labcorp
Classification: Likely benign for Gorlin syndrome. Last evaluated: 2026-02-01. Review status: criteria provided, single submitter. Criteria: Invitae Variant Classification Sherloc (09022015). Collection method: clinical testing. Allele origin: germline.

Quest Diagnostics Nichols Institute San Juan Capistrano
Classification: Likely benign. Last evaluated: 2025-10-07. Review status: criteria provided, single submitter. Criteria: Quest Diagnostics criteria. Collection method: clinical testing. Allele origin: unknown.

PreventionGenetics, part of Exact Sciences
Classification: Likely benign for PTCH1-related condition. Last evaluated: 2025-07-25. Review status: criteria provided, single submitter. Criteria: ACMG Guidelines, 2015. Collection method: clinical testing. Allele origin: germline.
Comment: This variant is classified as likely benign based on ACMG/AMP sequence variant interpretation guidelines (Richards et al. 2015 PMID: 25741868, with internal and published modifications).

Ambry Genetics
Classification: Likely benign for Hereditary cancer-predisposing syndrome. Last evaluated: 2017-11-08. Review status: criteria provided, single submitter. Criteria: Ambry Variant Classification Scheme 2023. Collection method: clinical testing. Allele origin: germline.